The following is an entry in ClinVar:

NM_005411.5(SFTPA1):c.630C>T (p.Asn210=)

Gene: SFTPA1 (surfactant protein A1; plus strand). Cytogenetic location: 10q22.3.
Variant type: single nucleotide variant.
Coding change: c.630C>T on transcript NM_005411.5 (MANE Select); coding-DNA position 630, C replaced by T.
Protein change: p.Asn210=; no amino-acid change (asparagine 210 retained).
Molecular consequence: synonymous variant.
Genome position (GRCh38, 1-based): chr10:79,613,996, C>T. VCF-style: chr10-79613996-C-T. GRCh37 (hg19) VCF-style: chr10-81373752-C-T.
Other names: c.675C>T, p.Asn225= (NM_001093770.3); c.630C>T, p.Asn210= (NM_001164644.2, NM_001164647.1); c.528C>T, p.Asn176= (NM_001164645.2); c.483C>T, p.Asn161= (NM_001164646.2).
Identifiers: ClinVar variation 3031129 (VCV003031129.2), dbSNP rs150214547, ClinGen allele CA470651045.

ClinVar aggregate classification (germline): Likely benign (0 of 4 stars; one submission).

Conditions:
SFTPA1-related disorder. Also called: SFTPA1-related condition.

Submission:

PreventionGenetics, part of Exact Sciences
Classification: Likely benign for SFTPA1-related condition. Last evaluated: 2021-04-06. Review status: no assertion criteria provided. Collection method: clinical testing. Allele origin: germline.
Comment: This variant is classified as likely benign based on ACMG/AMP sequence variant interpretation guidelines (Richards et al. 2015 PMID: 25741868, with internal and published modifications).